The following is an entry in ClinVar:

NM_001287.6(CLCN7):c.697G>A (p.Gly233Ser)

Gene: CLCN7 (Cl-/H+ antiporter 7; minus strand). Cytogenetic location: 16p13.3.
Variant type: single nucleotide variant.
Coding change: c.697G>A on transcript NM_001287.6 (MANE Select); coding-DNA position 697, G replaced by A.
Protein change: p.Gly233Ser; replaces glycine 233 with serine.
Molecular consequence: missense variant.
Genome position (GRCh38, 1-based): chr16:1,457,735, C>T on the plus strand (G>A on the coding strand, the complement: CLCN7 is on the minus strand). VCF-style: chr16-1457735-C-T. GRCh37 (hg19) VCF-style: chr16-1507736-C-T.
Other names: c.625G>A, p.Gly209Ser (NM_001114331.3); c.697G>A (NM_001287.4); short protein forms G233S, G209S.
Identifiers: ClinVar variation 884380 (VCV000884380.11), dbSNP rs774749842, ClinGen allele CA7810634.

ClinVar aggregate classification (germline): Uncertain significance. Review status: criteria provided, multiple submitters, no conflicts (2 of 4 stars). 3 submissions from 3 submitters: Uncertain significance (3). Last evaluated 2026-06-26.

Conditions:
Inborn genetic diseases. Identifiers: MedGen C0950123, MeSH D030342.
Osteopetrosis. Identifiers: Orphanet 2781, MedGen C0029454, MONDO:0017198, HP:0011002.

Allele frequency attached by ClinVar (database versions not stated): gnomAD 0.00003 and 0.00004; TOPMed 0.00003; ExAC 0.00003; gnomAD exomes 0.00005 and 0.00006.
gnomAD v4.1: 86 of 1,613,908 alleles (0.0053%); highest among the groups gnomAD compares: East Asian, 0.022%; no homozygotes.

Submissions (3):

Ambry Genetics
Classification: Uncertain significance for Inborn genetic diseases. Last evaluated: 2026-06-26. Review status: criteria provided, single submitter. Criteria: Ambry Variant Classification Scheme 2023. Collection method: clinical testing. Allele origin: germline.

Labcorp Genetics (formerly Invitae), Labcorp
Classification: Uncertain significance. Last evaluated: 2025-12-28. Review status: criteria provided, single submitter. Criteria: Invitae Variant Classification Sherloc (09022015). Collection method: clinical testing. Allele origin: germline.
Comment: This sequence change replaces glycine, which is neutral and non-polar, with serine, which is neutral and polar, at codon 233 of the CLCN7 protein (p.Gly233Ser). This variant is present in population databases (rs774749842, gnomAD 0.01%). This variant has not been reported in the literature in individuals affected with CLCN7-related conditions. ClinVar contains an entry for this variant (Variation ID: 884380). Invitae Evidence Modeling of protein sequence and biophysical properties (such as structural, functional, and spatial information, amino acid conservation, physicochemical variation, residue mobility, and thermodynamic stability) indicates that this missense variant is expected to disrupt CLCN7 protein function with a positive predictive value of 95%. In summary, the available evidence is currently insufficient to determine the role of this variant in disease. Therefore, it has been classified as a Variant of Uncertain Significance.

Illumina Laboratory Services, Illumina
Classification: Uncertain significance for Osteopetrosis. Last evaluated: 2018-01-13. Review status: criteria provided, single submitter. Criteria: ICSL Variant Classification Criteria 13 December 2019. Collection method: clinical testing. Allele origin: germline.